The following is an entry in ClinVar:

ClinVar aggregate classification (germline): Uncertain significance (1 of 4 stars; one submission).

Allele frequency attached by ClinVar (database versions not stated): gnomAD exomes below 0.00001; gnomAD 0.00001.

Submission:

Ambry Genetics
Classification: Uncertain significance. Last evaluated: 2023-09-18. Review status: criteria provided, single submitter. Criteria: Ambry Variant Classification Scheme 2023. Collection method: clinical testing. Allele origin: germline.
Comment: The p.V537F variant (also known as c.1609G>T), located in coding exon 8 of the PALLD gene, results from a G to T substitution at nucleotide position 1609. The valine at codon 537 is replaced by phenylalanine, an amino acid with highly similar properties. This amino acid position is conserved. In addition, this alteration is predicted to be tolerated by in silico analysis. Since supporting evidence is limited at this time, the clinical significance of this alteration remains unclear.

NM_001166108.2(PALLD):c.1609G>T (p.Val537Phe)

Gene: PALLD (palladin, cytoskeletal associated protein; plus strand). Cytogenetic location: 4q32.3.
Variant type: single nucleotide variant.
Coding change: c.1609G>T on transcript NM_001166108.2 (MANE Select); coding-DNA position 1609, G replaced by T.
Protein change: p.Val537Phe; replaces valine 537 with phenylalanine.
Molecular consequence: missense variant.
Genome position (GRCh38, 1-based): chr4:168,709,135, G>T. VCF-style: chr4-168709135-G-T. GRCh37 (hg19) VCF-style: chr4-169630286-G-T.
Other names: c.463G>T, p.Val155Phe (NM_001166109.2); c.1609G>T, p.Val537Phe (NM_016081.4); short protein forms V155F, V537F.
Identifiers: ClinVar variation 3226746 (VCV003226746.1), dbSNP rs1784482986, ClinGen allele CA358797661.